The following is an entry in ClinVar:

ClinVar aggregate classification (germline): Uncertain significance (1 of 4 stars; one submission).

gnomAD v4.1: 10 of 1,612,968 alleles (0.00062%); highest among the groups gnomAD compares: East Asian, 0.0022%; no homozygotes.

Submission:

Labcorp Genetics (formerly Invitae), Labcorp
Classification: Uncertain significance. Last evaluated: 2026-01-12. Review status: criteria provided, single submitter. Criteria: Invitae Variant Classification Sherloc (09022015). Collection method: clinical testing. Allele origin: germline.
Comment: This sequence change replaces alanine, which is neutral and non-polar, with threonine, which is neutral and polar, at codon 3184 of the DCHS1 protein (p.Ala3184Thr). This variant is not present in population databases (gnomAD no frequency). This variant has not been reported in the literature in individuals affected with DCHS1-related conditions. An algorithm developed to predict the effect of missense changes on protein structure and function (PolyPhen-2) suggests that this variant is likely to be disruptive. In summary, the available evidence is currently insufficient to determine the role of this variant in disease. Therefore, it has been classified as a Variant of Uncertain Significance.

NM_003737.4(DCHS1):c.9550G>A (p.Ala3184Thr)

Gene: DCHS1 (dachsous cadherin-related 1; minus strand). Cytogenetic location: 11p15.4.
Variant type: single nucleotide variant.
Coding change: c.9550G>A on transcript NM_003737.4 (MANE Select); coding-DNA position 9550, G replaced by A.
Protein change: p.Ala3184Thr; replaces alanine 3184 with threonine.
Molecular consequence: missense variant.
Genome position (GRCh38, 1-based): chr11:6,622,126, C>T on the plus strand (G>A on the coding strand, the complement: DCHS1 is on the minus strand). VCF-style: chr11-6622126-C-T. GRCh37 (hg19) VCF-style: chr11-6643357-C-T.
Other names: short protein forms A3184T.
Identifiers: ClinVar variation 4693878 (VCV004693878.1).